The following is an entry in ClinVar:

ClinVar aggregate classification (germline): Uncertain significance. Review status: criteria provided, multiple submitters, no conflicts (2 of 4 stars). 2 submissions from 2 submitters: Uncertain significance (2). Last evaluated 2026-07-01.

Conditions:
Glycogen storage disease, type II (IOPD). Also called: CARDIOMEGALIA GLYCOGENICA DIFFUSA; GLYCOGENOSIS, GENERALIZED, CARDIAC FORM; GSD II; Glycogen storage disease type 2; Acid maltase deficiency disease; Aglucosidase alfa. Identifiers: Orphanet 365, MedGen C0017921, MONDO:0009290, OMIM 232300.

Submissions (2):

Genomenon, Inc
Classification: Uncertain significance for Glycogen storage disease, type II. Last evaluated: 2026-07-01. Review status: criteria provided, single submitter. Criteria: Genomenon Sequence Variant Interpretation Standards - Updated. Collection method: curation. Allele origin: germline. Affected: yes.
Comment: GAA p.Asp338Val (c.1013A>T) is a missense variant that changes the amino acid at codon 338 from Aspartic acid to Valine. This variant has been observed in at least one proband with a GAA-related disorder in the compound heterozygous and/or homozygous state (PMID:34134972). It is absent or not present at a significant frequency in gnomAD. In silico models predict that this variant is possibly or probably damaging. In conclusion, we classify GAA p.Asp338Val (c.1013A>T) as a variant of uncertain significance.

Women's Health and Genetics/Laboratory Corporation of America, LabCorp
Classification: Uncertain significance. Last evaluated: 2024-10-22. Review status: criteria provided, single submitter. Criteria: LabCorp Variant Classification Summary - May 2015. Collection method: clinical testing. Allele origin: germline.
Comment: Variant summary: GAA c.1013A>T (p.Asp338Val) results in a non-conservative amino acid change in the encoded protein sequence. Five of five in-silico tools predict a damaging effect of the variant on protein function. The variant was absent in 251142 control chromosomes. The available data on variant occurrences in the general population are insufficient to allow any conclusion about variant significance. c.1013A>T has been reported in the literature in at-least one individual affected with Glycogen Storage Disease, Type 2 (Pompe Disease) (example: Dai_2021). These data do not allow any conclusion about variant significance. To our knowledge, no experimental evidence demonstrating an impact on protein function has been reported. The following publication has been ascertained in the context of this evaluation (PMID: 34134972). No submitters have cited clinical-significance assessments for this variant to ClinVar. Based on the evidence outlined above, the variant was classified as uncertain significance.

Literature cited by the submitters: PubMed 34134972 (cited by Genomenon, Inc and Women's Health and Genetics/Laboratory Corporation of America, LabCorp).

NM_000152.5(GAA):c.1013A>T (p.Asp338Val)

Gene: GAA (alpha glucosidase; plus strand). Cytogenetic location: 17q25.3.
Variant type: single nucleotide variant.
Coding change: c.1013A>T on transcript NM_000152.5 (MANE Select); coding-DNA position 1013, A replaced by T.
Protein change: p.Asp338Val; replaces aspartic acid 338 with valine.
Molecular consequence: missense variant.
Genome position (GRCh38, 1-based): chr17:80,108,347, A>T. VCF-style: chr17-80108347-A-T. GRCh37 (hg19) VCF-style: chr17-78082146-A-T.
Other names: c.1013A>T, p.Asp338Val (NM_001079803.3, NM_001079804.3, NM_001406741.1 and 1 more transcripts); short protein forms D338V.
Identifiers: ClinVar variation 3385153 (VCV003385153.2).
Genomic context (GRCh38, chr17:80,108,347, plus strand): 5'-CAGATGTGGTCCTGCAGCCGAGCCCTGCCCTTAGCTGGAGGTCGACAGGTGGGATCCTGG[A>T]TGTCTACATCTTCCTGGGCCCAGAGCCCAAGAGCGTGGTGCAGCAGTACCTGGACGTTGT-3'
Protein context (NP_000143.2, residues 328-348): LSWRSTGGIL[Asp338Val]VYIFLGPEPK